The following is an entry in ClinVar:

ClinVar aggregate classification (germline): Likely benign. Review status: criteria provided, multiple submitters, no conflicts (2 of 4 stars). 4 submissions from 4 submitters: Likely benign (3). 1 of the submissions does not count toward it. Last evaluated 2025-11-06.

Conditions:
ADAMTS18-related disorder. Also called: ADAMTS18-related condition.

Allele frequency attached by ClinVar (database versions not stated): ESP Exome Variant Server 0.00031; 1000 Genomes Project 0.00060; 1000 Genomes Project 30x 0.00125.
gnomAD v4.1: 442 of 1,614,084 alleles (0.027%); highest among the groups gnomAD compares: South Asian, 0.21%; 4 homozygotes.

Submissions (4):

Labcorp Genetics (formerly Invitae), Labcorp
Classification: Likely benign. Last evaluated: 2025-11-06. Review status: criteria provided, single submitter. Criteria: Invitae Variant Classification Sherloc (09022015). Collection method: clinical testing. Allele origin: germline.

Blueprint Genetics
Classification: Likely benign. Last evaluated: 2024-09-18. Review status: criteria provided, single submitter. Criteria: ACMG Guidelines, 2015. Collection method: clinical testing. Allele origin: germline.

Breakthrough Genomics
Classification: Likely benign. Review status: criteria provided, single submitter. Criteria: ACMG Guidelines, 2015. Collection method: not provided. Allele origin: germline. Inheritance: Autosomal recessive inheritance. Affected: yes.

PreventionGenetics, part of Exact Sciences
Classification: Likely benign for ADAMTS18-related condition. Last evaluated: 2022-02-25. Review status: no assertion criteria provided. Collection method: clinical testing. Allele origin: germline. Not counted in ClinVar's aggregate classification.
Comment: This variant is classified as likely benign based on ACMG/AMP sequence variant interpretation guidelines (Richards et al. 2015 PMID: 25741868, with internal and published modifications).

NM_199355.4(ADAMTS18):c.3290G>A (p.Arg1097His)

Gene: ADAMTS18 (ADAM metallopeptidase with thrombospondin type 1 motif 18; minus strand). Cytogenetic location: 16q23.1.
Variant type: single nucleotide variant.
Coding change: c.3290G>A on transcript NM_199355.4 (MANE Select); coding-DNA position 3290, G replaced by A.
Protein change: p.Arg1097His; replaces arginine 1097 with histidine.
Molecular consequence: missense variant.
Genome position (GRCh38, 1-based): chr16:77,291,378, C>T on the plus strand (G>A on the coding strand, the complement: ADAMTS18 is on the minus strand). VCF-style: chr16-77291378-C-T. GRCh37 (hg19) VCF-style: chr16-77325275-C-T.
Other names: c.2774G>A, p.Arg925His (NM_001326358.2); c.3290G>A (NM_199355.3); short protein forms R1097H, R925H.
Identifiers: ClinVar variation 1134410 (VCV001134410.13), dbSNP rs150975249, ClinGen allele CA8180511.